The following is an entry in ClinVar:

ClinVar aggregate classification (germline): Uncertain significance (1 of 4 stars; one submission).

gnomAD v4.1: 1 of 1,614,210 alleles (0.000062%); highest among the groups gnomAD compares: Middle Eastern, 0.016%; no homozygotes.

Submission:

Dasa
Classification: Uncertain significance. Last evaluated: 2026-03-21. Review status: criteria provided, single submitter. Criteria: DASA Assertion Criteria. Collection method: clinical testing. Allele origin: germline.
Comment: NM_006268.5(DPF2):c.361G>A (p.Ala121Thr) is a missense variant that results in the substitution of alanine with threonine. This variant is rare in population databases. Computational prediction algorithms are consistent with a deleterious effect. The currently available literature and clinical evidence are not sufficient to establish a definitive association between this variant and the reported condition. Therefore, this variant is classified as a variant of uncertain significance.

NM_006268.5(DPF2):c.361G>A (p.Ala121Thr)

Gene: DPF2 (double PHD fingers 2; plus strand). Cytogenetic location: 11q13.1.
Variant type: single nucleotide variant.
Coding change: c.361G>A on transcript NM_006268.5 (MANE Select); coding-DNA position 361, G replaced by A.
Protein change: p.Ala121Thr; replaces alanine 121 with threonine.
Molecular consequence: missense variant.
Genome position (GRCh38, 1-based): chr11:65,341,458, G>A. VCF-style: chr11-65341458-G-A. GRCh37 (hg19) VCF-style: chr11-65108929-G-A.
Other names: c.361G>A, p.Ala121Thr (NM_001330308.2); short protein forms A121T.
Identifiers: ClinVar variation 4885628 (VCV004885628.2).
Genomic context (GRCh38, chr11:65,341,458, plus strand): 5'-GACACAGACCAGACCCTGAAGAAGGAGGGGCTGATCTCTCAGGATGGCAGTAGTTTAGAG[G>A]CTCTGTTGCGCACTGACCCCCTGGAGAAGCGAGGTGCCCCGGATCCCCGAGTTGATGATG-3'
Protein context (NP_006259.1, residues 111-131): LISQDGSSLE[Ala121Thr]LLRTDPLEKR